The following is an entry in ClinVar:

ClinVar aggregate classification (germline): Uncertain significance (1 of 4 stars; one submission).

Conditions:
PLXNA3-related disorder. Also called: PLXNA3-related condition.

Submission:

PreventionGenetics, part of Exact Sciences
Classification: Uncertain significance for PLXNA3-related condition. Last evaluated: 2024-12-14. Review status: criteria provided, single submitter. Criteria: ACMG Guidelines, 2015. Collection method: clinical testing. Allele origin: germline.
Comment: The PLXNA3 c.1219C>A variant is predicted to result in the amino acid substitution p.Leu407Met. To our knowledge, this variant has not been reported in the literature or in a large population database (gnomAD), indicating this variant is rare. At this time, the clinical significance of this variant is uncertain due to the absence of conclusive functional and genetic evidence.

NM_017514.5(PLXNA3):c.1219C>A (p.Leu407Met)

Gene: PLXNA3 (plexin A3; plus strand). Cytogenetic location: Xq28.
Variant type: single nucleotide variant.
Coding change: c.1219C>A on transcript NM_017514.5 (MANE Select); coding-DNA position 1219, C replaced by A.
Protein change: p.Leu407Met; replaces leucine 407 with methionine.
Molecular consequence: missense variant.
Genome position (GRCh38, 1-based): chrX:154,462,212, C>A. VCF-style: chrX-154462212-C-A. GRCh37 (hg19) VCF-style: chrX-153690552-C-A.
Other names: short protein forms L407M.
Identifiers: ClinVar variation 5001289 (VCV005001289.1).